The following is an entry in ClinVar:

NM_020843.4(SCAPER):c.1726-5215C>G

Gene: SCAPER (S-phase cyclin A associated protein in the ER; minus strand). Cytogenetic location: 15q24.3.
Variant type: single nucleotide variant.
Coding change: c.1726-5215C>G on transcript NM_020843.4 (MANE Select); 5215 bases into the intron before coding-DNA position 1726, C replaced by G.
Molecular consequence: intron variant.
Genome position (GRCh38, 1-based): chr15:76,759,163, G>C on the plus strand (C>G on the coding strand, the complement: SCAPER is on the minus strand). VCF-style: chr15-76759163-G-C. GRCh37 (hg19) VCF-style: chr15-77051504-G-C.
Other names: c.1342-5215C>G (NM_001353011.2); c.1324-5215C>G (NM_001353012.2, NM_001353010.2); c.1744-5215C>G (NM_001353009.2); c.988-5215C>G (NM_001145923.2).
Identifiers: ClinVar variation 4846924 (VCV004846924.1).

ClinVar aggregate classification (germline): Uncertain significance (1 of 4 stars; one submission).

Conditions:
Intellectual developmental disorder and retinitis pigmentosa; IDDRP. Also called: INTELLECTUAL DEVELOPMENTAL DISORDER AND RETINITIS PIGMENTOSA. Identifiers: MedGen C4748658, MONDO:0032594, OMIM 618195.

Submission:

Laboratorio de Genetica e Diagnostico Molecular, Hospital Israelita Albert Einstein
Classification: Uncertain significance for Intellectual developmental disorder and retinitis pigmentosa; IDDRP. Last evaluated: 2025-10-24. Review status: criteria provided, single submitter. Criteria: ACMG Guidelines, 2015. Collection method: clinical testing. Allele origin: germline. Affected: yes.
Comment: ACMG classification criteria: PM2 supporting, BP4 supporting